The following is an entry in ClinVar:

ClinVar aggregate classification (germline): Uncertain significance (1 of 4 stars; one submission).

Conditions:
Holoprosencephaly 2 (HPE2). Identifiers: Orphanet 2162, MedGen C1834877, MONDO:0007999, OMIM 157170.

Submission:

Labcorp Genetics (formerly Invitae), Labcorp
Classification: Uncertain significance for Holoprosencephaly 2. Last evaluated: 2023-11-14. Review status: criteria provided, single submitter. Criteria: Invitae Variant Classification Sherloc (09022015). Collection method: clinical testing. Allele origin: germline.
Comment: This sequence change replaces proline, which is neutral and non-polar, with serine, which is neutral and polar, at codon 286 of the SIX3 protein (p.Pro286Ser). This variant is not present in population databases (gnomAD no frequency). This variant has not been reported in the literature in individuals affected with SIX3-related conditions. Advanced modeling of protein sequence and biophysical properties (such as structural, functional, and spatial information, amino acid conservation, physicochemical variation, residue mobility, and thermodynamic stability) performed at Invitae indicates that this missense variant is not expected to disrupt SIX3 protein function with a negative predictive value of 80%. In summary, the available evidence is currently insufficient to determine the role of this variant in disease. Therefore, it has been classified as a Variant of Uncertain Significance.

NM_005413.4(SIX3):c.856C>T (p.Pro286Ser)

Gene: SIX3 (SIX homeobox 3; plus strand). Cytogenetic location: 2p21.
Variant type: single nucleotide variant.
Coding change: c.856C>T on transcript NM_005413.4 (MANE Select); coding-DNA position 856, C replaced by T.
Protein change: p.Pro286Ser; replaces proline 286 with serine.
Molecular consequence: missense variant.
Genome position (GRCh38, 1-based): chr2:44,944,617, C>T. VCF-style: chr2-44944617-C-T. GRCh37 (hg19) VCF-style: chr2-45171756-C-T.
Other names: short protein forms P286S.
Identifiers: ClinVar variation 2845725 (VCV002845725.3), dbSNP rs2466518476, ClinGen allele CA346800526.